The following is an entry in ClinVar:

ClinVar aggregate classification (germline): Likely benign (0 of 4 stars; one submission).

Conditions:
WDR48-related disorder. Also called: WDR48-related condition.

Allele frequency attached by ClinVar (database versions not stated): 1000 Genomes Project 30x 0.00047; 1000 Genomes Project 0.00060; gnomAD 0.00143; TOPMed 0.00155.
gnomAD v4.1: 225 of 152,330 alleles (0.15%); highest among the groups gnomAD compares: Middle Eastern, 0.34%; no homozygotes.

Submission:

PreventionGenetics, part of Exact Sciences
Classification: Likely benign for WDR48-related condition. Last evaluated: 2019-04-16. Review status: no assertion criteria provided. Collection method: clinical testing. Allele origin: germline.
Comment: This variant is classified as likely benign based on ACMG/AMP sequence variant interpretation guidelines (Richards et al. 2015 PMID: 25741868, with internal and published modifications).

NM_020839.4(WDR48):c.481+176C>T

Gene: WDR48 (WD repeat domain 48; plus strand). Cytogenetic location: 3p22.2.
Variant type: single nucleotide variant.
Coding change: c.481+176C>T on transcript NM_020839.4 (MANE Select); 176 bases into the intron after coding-DNA position 481, C replaced by T.
Molecular consequence: intron variant. On other transcripts: synonymous variant (1).
Genome position (GRCh38, 1-based): chr3:39,067,051, C>T. VCF-style: chr3-39067051-C-T. GRCh37 (hg19) VCF-style: chr3-39108542-C-T.
Other names: c.576C>T, p.Ser192= (NM_001346225.2); c.-45+421C>T (NM_001346227.2); c.454+176C>T (NM_001303403.2); c.310+176C>T (NM_001346226.2); c.235+176C>T (NM_001303402.2); c.271+176C>T (NM_001346228.2).
Identifiers: ClinVar variation 3040306 (VCV003040306.2), dbSNP rs558216450, ClinGen allele CA72994083.